The following is an entry in ClinVar:

NM_001130021.3(ATP6V0A1):c.1013G>A (p.Arg338Lys)

Gene: ATP6V0A1 (ATPase H+ transporting V0 subunit a1; plus strand). Cytogenetic location: 17q21.2.
Variant type: single nucleotide variant.
Coding change: c.1013G>A on transcript NM_001130021.3 (MANE Select); coding-DNA position 1013, G replaced by A.
Protein change: p.Arg338Lys; replaces arginine 338 with lysine.
Molecular consequence: missense variant. On other transcripts: intron variant (2).
Genome position (GRCh38, 1-based): chr17:42,487,357, G>A. VCF-style: chr17-42487357-G-A. GRCh37 (hg19) VCF-style: chr17-40639375-G-A.
Other names: c.1034G>A, p.Arg345Lys (NM_001130020.3, NM_001378522.1, NM_001378523.1 and 3 more transcripts); c.1136G>A, p.Arg379Lys (NM_001378530.1, NM_001378533.1, NM_001378551.1 and 1 more transcripts); c.1157G>A, p.Arg386Lys (NM_001378531.1, NM_001378532.1); c.1013G>A, p.Arg338Lys (NM_001378535.1, NM_001378537.1, NM_001378542.1 and 4 more transcripts); c.905G>A, p.Arg302Lys (NM_001378536.1, NM_001378550.1, NM_001378556.1); c.884G>A, p.Arg295Lys (NM_001378538.1, NM_001378540.1); c.854G>A, p.Arg285Lys (NM_001378543.1); c.803G>A, p.Arg268Lys (NM_001378545.1, NM_001378554.1); and 2 more; short protein forms R268K, R278K, R285K, R295K, R302K, R338K, R345K, R379K.
Identifiers: ClinVar variation 3629967 (VCV003629967.1).
Genomic context (GRCh38, chr17:42,487,357, plus strand): 5'-GCTTGATTGCAGAGGTCTGGTGCCCTGTCACCGACCTTGACTCCATCCAGTTTGCACTCA[G>A]AAGGGGCACGGTGAGTCCCCAAAGCTAACAATGCAGCTCGTGGCCCGGAAGAGAGGTTCC-3'
Protein context (NP_001123493.1, residues 328-348): TDLDSIQFAL[Arg338Lys]RGTEHSGSTV

ClinVar aggregate classification (germline): Uncertain significance (1 of 4 stars; one submission).

Submission:

Women's Health and Genetics/Laboratory Corporation of America, LabCorp
Classification: Uncertain significance. Last evaluated: 2024-11-20. Review status: criteria provided, single submitter. Criteria: LabCorp Variant Classification Summary - May 2015. Collection method: clinical testing. Allele origin: germline.
Comment: Variant summary: ATP6V0A1 c.1034G>A (p.Arg345Lys) results in a conservative amino acid change in the encoded protein sequence. Two of four in-silico tools predict a benign effect of the variant on protein function. The variant was absent in 251266 control chromosomes (gnomAD). The available data on variant occurrences in the general population are insufficient to allow any conclusion about variant significance. To our knowledge, no occurrence of c.1034G>A in individuals affected with ATP6V0A1-Related Disorders and no experimental evidence demonstrating its impact on protein function have been reported. No submitters have cited clinical-significance assessments for this variant to ClinVar. Based on the evidence outlined above, the variant was classified as uncertain significance.